The following is an entry in ClinVar:

ClinVar aggregate classification (germline): Uncertain significance (1 of 4 stars; one submission).

Conditions:
Dilated cardiomyopathy 1G (CMD1G). Identifiers: Orphanet 154, MedGen C1858763, MONDO:0011400, OMIM 604145.
Autosomal recessive limb-girdle muscular dystrophy type 2J (LGMDR10). Also called: Limb-girdle muscular dystrophy, type 2J; MUSCULAR DYSTROPHY, LIMB-GIRDLE, AUTOSOMAL RECESSIVE 10. Identifiers: Orphanet 140922, MedGen C1837342, MONDO:0012127, OMIM 608807.

gnomAD v4.1: 2 of 1,613,826 alleles (0.00012%); highest among the groups gnomAD compares: Non-Finnish European, 0.00017%; no homozygotes.

Submission:

Labcorp Genetics (formerly Invitae), Labcorp
Classification: Uncertain significance for Dilated cardiomyopathy 1G; Autosomal recessive limb-girdle muscular dystrophy type 2J. Last evaluated: 2023-05-31. Review status: criteria provided, single submitter. Criteria: Invitae Variant Classification Sherloc (09022015). Collection method: clinical testing. Allele origin: germline.
Comment: In summary, the available evidence is currently insufficient to determine the role of this variant in disease. Therefore, it has been classified as a Variant of Uncertain Significance. This variant is located in the M band of TTN (PMID: 25589632). Variants in this region may be relevant for neuromuscular disorders, but have not been definitively shown to cause cardiomyopathy (PMID: 23975875). Experimental studies and prediction algorithms are not available or were not evaluated, and the functional significance of this variant is currently unknown. ClinVar contains an entry for this variant (Variation ID: 1490610). This variant has not been reported in the literature in individuals affected with TTN-related conditions. This variant is not present in population databases (gnomAD no frequency). This sequence change replaces valine, which is neutral and non-polar, with alanine, which is neutral and non-polar, at codon 34996 of the TTN protein (p.Val34996Ala).

Literature cited by the submitters: PubMed 25589632; PubMed 23975875.

NM_001267550.2(TTN):c.104987T>C (p.Val34996Ala)

Genes: TTN-AS1 (TTN antisense RNA 1; plus strand), TTN (titin; minus strand). Cytogenetic location: 2q31.2.
Variant type: single nucleotide variant.
Coding change: c.104987T>C on transcript NM_001267550.2 (MANE Select); coding-DNA position 104987, T replaced by C.
Protein change: p.Val34996Ala; replaces valine 34996 with alanine.
Molecular consequence: missense variant.
Genome position (GRCh38, 1-based): chr2:178,531,628, A>G on the plus strand (T>C on the coding strand, the complement: TTN is on the minus strand). VCF-style: chr2-178531628-A-G. GRCh37 (hg19) VCF-style: chr2-179396355-A-G.
Other names: c.100064T>C, p.Val33355Ala (NM_001256850.1); c.77792T>C, p.Val25931Ala (NM_003319.4); c.97283T>C, p.Val32428Ala (NM_133378.4); c.78167T>C, p.Val26056Ala (NM_133432.3); c.78368T>C, p.Val26123Ala (NM_133437.4); short protein forms V25931A, V26123A, V34996A, V26056A, V32428A, V33355A.
Identifiers: ClinVar variation 1490610 (VCV001490610.6), dbSNP rs2154133672, ClinGen allele CA349409730.
Genomic context (GRCh38, chr2:178,531,628, plus strand): 5'-CACACAGCACGGTAGGTTCCACTGTCATCAGTATGACAGTCCAGAATTTCCAGGGTGAGG[A>G]CTCCACTCGTGTTGGTGTAATGAATCTTACTGCTTTCTTGGAGTTCCACACCATTGTGGT-3'
Protein context (NP_001254479.2, residues 34986-35006): SKIHYTNTSG[Val34996Ala]LTLEILDCHT